The following is an entry in ClinVar:

ClinVar aggregate classification (germline): Likely benign. Review status: criteria provided, single submitter (1 of 4 stars). 2 submissions from 2 submitters: Likely benign (1). 1 of the submissions does not count toward it. Last evaluated 2024-03-28.

Conditions:
LMOD3-related disorder. Also called: LMOD3-related condition.
Nemaline myopathy 10 (NEM10). Identifiers: MedGen C4015360, MONDO:0014513, OMIM 616165.

Allele frequency attached by ClinVar (database versions not stated): TOPMed below 0.00001.
gnomAD v4.1: 17 of 1,613,424 alleles (0.0011%); highest among the groups gnomAD compares: Non-Finnish European, 0.0014%; no homozygotes.

Submissions (2):

Labcorp Genetics (formerly Invitae), Labcorp
Classification: Likely benign for Nemaline myopathy 10. Last evaluated: 2024-03-28. Review status: criteria provided, single submitter. Criteria: Invitae Variant Classification Sherloc (09022015). Collection method: clinical testing. Allele origin: germline.

PreventionGenetics, part of Exact Sciences
Classification: Likely benign for LMOD3-related condition. Last evaluated: 2022-02-17. Review status: no assertion criteria provided. Collection method: clinical testing. Allele origin: germline. Not counted in ClinVar's aggregate classification.
Comment: This variant is classified as likely benign based on ACMG/AMP sequence variant interpretation guidelines (Richards et al. 2015 PMID: 25741868, with internal and published modifications).

NM_198271.5(LMOD3):c.201T>C (p.Asn67=)

Genes: LMOD3 (leiomodin 3; minus strand), LOC126806710 (CDK7 strongly-dependent group 2 enhancer GRCh37_chr3:69170601-69171800; plus strand). Cytogenetic location: 3p14.1.
Variant type: single nucleotide variant.
Coding change: c.201T>C on transcript NM_198271.5 (MANE Select); coding-DNA position 201, T replaced by C.
Protein change: p.Asn67=; no amino-acid change (asparagine 67 retained).
Molecular consequence: synonymous variant.
Genome position (GRCh38, 1-based): chr3:69,122,186, A>G on the plus strand (T>C on the coding strand, the complement: LMOD3 is on the minus strand). VCF-style: chr3-69122186-A-G. GRCh37 (hg19) VCF-style: chr3-69171337-A-G.
Other names: c.201T>C, p.Asn67= (NM_001304418.3).
Identifiers: ClinVar variation 3032618 (VCV003032618.4), dbSNP rs751259911, ClinGen allele CA76455989.